The following is an entry in ClinVar:

ClinVar aggregate classification (germline): Uncertain significance (1 of 4 stars; one submission).

Submission:

GeneDx
Classification: Uncertain significance. Last evaluated: 2023-06-02. Review status: criteria provided, single submitter. Criteria: GeneDx Variant Classification Process June 2021. Collection method: clinical testing. Allele origin: germline. Affected: yes.
Comment: Not observed at significant frequency in large population cohorts (gnomAD); In silico analysis supports that this missense variant does not alter protein structure/function; Has not been previously published as pathogenic or benign to our knowledge

NM_001372044.2(SHANK3):c.2794C>T (p.Pro932Ser)

Gene: SHANK3 (SH3 and multiple ankyrin repeat domains 3; plus strand). Cytogenetic location: 22q13.33.
Variant type: single nucleotide variant.
Coding change: c.2794C>T on transcript NM_001372044.2 (MANE Select); coding-DNA position 2794, C replaced by T.
Protein change: p.Pro932Ser; replaces proline 932 with serine.
Molecular consequence: missense variant.
Genome position (GRCh38, 1-based): chr22:50,720,402, C>T. VCF-style: chr22-50720402-C-T. GRCh37 (hg19) VCF-style: chr22-51158830-C-T.
Other names: c.2569C>T (NM_033517.1); short protein forms P932S.
Identifiers: ClinVar variation 3359440 (VCV003359440.1).